The following is an entry in ClinVar:

ClinVar aggregate classification (germline): Uncertain significance (1 of 4 stars; one submission).

Allele frequency attached by ClinVar (database versions not stated): TOPMed 0.00001; gnomAD exomes 0.00004 and 0.00008; ExAC 0.00005.
gnomAD v4.1: 23 of 1,614,178 alleles (0.0014%); highest among the groups gnomAD compares: Admixed American, 0.037%; no homozygotes.

Submission:

Labcorp Genetics (formerly Invitae), Labcorp
Classification: Uncertain significance. Last evaluated: 2021-12-27. Review status: criteria provided, single submitter. Criteria: Invitae Variant Classification Sherloc (09022015). Collection method: clinical testing. Allele origin: germline.
Comment: This sequence change replaces glycine, which is neutral and non-polar, with aspartic acid, which is acidic and polar, at codon 404 of the CDHR1 protein (p.Gly404Asp). This variant is present in population databases (rs752039450, gnomAD 0.05%). This variant has not been reported in the literature in individuals affected with CDHR1-related conditions. ClinVar contains an entry for this variant (Variation ID: 1022991). Advanced modeling of protein sequence and biophysical properties (such as structural, functional, and spatial information, amino acid conservation, physicochemical variation, residue mobility, and thermodynamic stability) performed at Invitae indicates that this missense variant is not expected to disrupt CDHR1 protein function. In summary, the available evidence is currently insufficient to determine the role of this variant in disease. Therefore, it has been classified as a Variant of Uncertain Significance.

NM_033100.4(CDHR1):c.1211G>A (p.Gly404Asp)

Gene: CDHR1 (cadherin related family member 1; plus strand). Cytogenetic location: 10q23.1.
Variant type: single nucleotide variant.
Coding change: c.1211G>A on transcript NM_033100.4 (MANE Select); coding-DNA position 1211, G replaced by A.
Protein change: p.Gly404Asp; replaces glycine 404 with aspartic acid.
Molecular consequence: missense variant.
Genome position (GRCh38, 1-based): chr10:84,208,772, G>A. VCF-style: chr10-84208772-G-A. GRCh37 (hg19) VCF-style: chr10-85968528-G-A.
Other names: c.1211G>A, p.Gly404Asp (NM_001171971.3); short protein forms G404D.
Identifiers: ClinVar variation 1022991 (VCV001022991.7), dbSNP rs752039450, ClinGen allele CA5579881.